The following is an entry in ClinVar:

ClinVar aggregate classification (germline): Likely benign (1 of 4 stars; one submission).

Conditions:
Majeed syndrome (MJDS). Also called: CHRONIC RECURRENT MULTIFOCAL OSTEOMYELITIS 1, WITH CONGENITAL DYSERYTHROPOIETIC ANEMIA, WITH OR WITHOUT NEUTROPHILIC DERMATOSIS; LPIN2-Related Majeed Syndrome. Identifiers: Orphanet 77297, MedGen C1864997, MONDO:0012316, OMIM 609628.

Allele frequency attached by ClinVar (database versions not stated): 1000 Genomes Project 0.00060; 1000 Genomes Project 30x 0.00062; gnomAD 0.00121; TOPMed 0.00139; gnomAD exomes 0.01852.
gnomAD v4.1: 198 of 152,346 alleles (0.13%); highest among the groups gnomAD compares: Non-Finnish European, 0.25%; 1 homozygote.

Submission:

Illumina Laboratory Services, Illumina
Classification: Likely benign for Majeed syndrome. Last evaluated: 2018-01-13. Review status: criteria provided, single submitter. Criteria: ICSL Variant Classification Criteria 13 December 2019. Collection method: clinical testing. Allele origin: germline.
Comment: This variant was observed in the ICSL laboratory as part of a predisposition screen in an ostensibly healthy population. It had not been previously curated by ICSL or reported in the Human Gene Mutation Database (HGMD: prior to June 1st, 2018), and was therefore a candidate for classification through an automated scoring system. Utilizing variant allele frequency, disease prevalence and penetrance estimates, and inheritance mode, an automated score was calculated to assess if this variant is too frequent to cause the disease. Based on the score and internal cut-off values, a variant classified as likely benign is not then subjected to further curation. The score for this variant resulted in a classification of likely benign for this disease.

NM_001375808.2(LPIN2):c.*1077C>G

Gene: LPIN2 (lipin 2; minus strand). Cytogenetic location: 18p11.31.
Variant type: single nucleotide variant.
Coding change: c.*1077C>G on transcript NM_001375808.2 (MANE Select); 1077 bases downstream of the stop codon, C replaced by G.
Molecular consequence: 3 prime UTR variant.
Genome position (GRCh38, 1-based): chr18:2,919,216, G>C on the plus strand (C>G on the coding strand, the complement: LPIN2 is on the minus strand). VCF-style: chr18-2919216-G-C. GRCh37 (hg19) VCF-style: chr18-2919214-G-C.
Other names: c.*1077C>G (NM_001375809.1, NM_014646.2).
Identifiers: ClinVar variation 326591 (VCV000326591.5), dbSNP rs563088438, ClinGen allele CA10650671.
Genomic context (GRCh38, chr18:2,919,216, plus strand): 5'-ACATAGGCACCCGTGTCCCCATGGGGTCTCACAGGGCTAGGCTGGGGACACTGCTCGGGG[G>C]GCAGTCTGCTCCATAGGAGCTCCAAGACCCCTCTTTGACGCTGCTTCCACGGGCCCGATT-3'